The following is an entry in ClinVar:

ClinVar aggregate classification (germline): Uncertain significance. Review status: criteria provided, multiple submitters, no conflicts (2 of 4 stars). 2 submissions from 2 submitters: Uncertain significance (2). Last evaluated 2024-10-16.

Submissions (2):

Women's Health and Genetics/Laboratory Corporation of America, LabCorp
Classification: Uncertain significance. Last evaluated: 2024-10-16. Review status: criteria provided, single submitter. Criteria: LabCorp Variant Classification Summary - May 2015. Collection method: clinical testing. Allele origin: germline.
Comment: Variant summary: SLC3A1 c.1229A>T (p.Asn410Ile) results in a non-conservative amino acid change located in the Glycosyl hydrolase, family 13, catalytic domain (IPR006047) of the encoded protein sequence. Five of five in-silico tools predict a damaging effect of the variant on protein function. The variant was absent in 251406 control chromosomes. c.1229A>T has been reported in the literature in individuals affected with Cystinuria (Alghamdi_2020). These data indicate that the variant may be associated with disease. To our knowledge, no experimental evidence demonstrating an impact on protein function has been reported. The following publication have been ascertained in the context of this evaluation (PMID: 33262960). No submitters have cited clinical-significance assessments for this variant to ClinVar. Based on the evidence outlined above, the variant was classified as VUS-possibly pathogenic.

Blueprint Genetics
Classification: Uncertain significance. Last evaluated: 2021-07-01. Review status: criteria provided, single submitter. Criteria: ACMG Guidelines, 2015. Collection method: clinical testing. Allele origin: germline.

Literature cited by the submitters: PubMed 33262960 (cited by Women's Health and Genetics/Laboratory Corporation of America, LabCorp).

NM_000341.4(SLC3A1):c.1229A>T (p.Asn410Ile)

Gene: SLC3A1 (solute carrier family 3 member 1; plus strand). Cytogenetic location: 2p21.
Variant type: single nucleotide variant.
Coding change: c.1229A>T on transcript NM_000341.4 (MANE Select); coding-DNA position 1229, A replaced by T.
Protein change: p.Asn410Ile; replaces asparagine 410 with isoleucine.
Molecular consequence: missense variant.
Genome position (GRCh38, 1-based): chr2:44,304,235, A>T. VCF-style: chr2-44304235-A-T. GRCh37 (hg19) VCF-style: chr2-44531374-A-T.
Other names: short protein forms N410I.
Identifiers: ClinVar variation 3385258 (VCV003385258.2).